The following is an entry in ClinVar:

ClinVar aggregate classification (germline): Uncertain significance (1 of 4 stars; one submission).

Allele frequency attached by ClinVar (database versions not stated): gnomAD exomes 0.00001.
gnomAD v4.1: 2 of 1,614,220 alleles (0.00012%); highest among the groups gnomAD compares: Admixed American, 0.0033%; no homozygotes.

Submission:

Labcorp Genetics (formerly Invitae), Labcorp
Classification: Uncertain significance. Last evaluated: 2023-08-07. Review status: criteria provided, single submitter. Criteria: Invitae Variant Classification Sherloc (09022015). Collection method: clinical testing. Allele origin: germline.
Comment: This sequence change replaces glutamine, which is neutral and polar, with glutamic acid, which is acidic and polar, at codon 781 of the CTNNA1 protein (p.Gln781Glu). This variant is present in population databases (no rsID available, gnomAD 0.006%). This variant has not been reported in the literature in individuals affected with CTNNA1-related conditions. ClinVar contains an entry for this variant (Variation ID: 1019193). An algorithm developed to predict the effect of missense changes on protein structure and function (PolyPhen-2) suggests that this variant is likely to be tolerated. In summary, the available evidence is currently insufficient to determine the role of this variant in disease. Therefore, it has been classified as a Variant of Uncertain Significance.

NM_001903.5(CTNNA1):c.2341C>G (p.Gln781Glu)

Gene: CTNNA1 (catenin alpha 1; plus strand). Cytogenetic location: 5q31.2.
Variant type: single nucleotide variant.
Coding change: c.2341C>G on transcript NM_001903.5 (MANE Select); coding-DNA position 2341, C replaced by G.
Protein change: p.Gln781Glu; replaces glutamine 781 with glutamic acid.
Molecular consequence: missense variant. On other transcripts: intron variant (1).
Genome position (GRCh38, 1-based): chr5:138,932,620, C>G. VCF-style: chr5-138932620-C-G. GRCh37 (hg19) VCF-style: chr5-138268309-C-G.
Other names: c.2341C>G, p.Gln781Glu (NM_001290307.3, NM_001323982.2, NM_001323983.1 and 2 more transcripts); c.2032C>G, p.Gln678Glu (NM_001290309.3); c.1972C>G, p.Gln658Glu (NM_001290310.3); c.1231C>G, p.Gln411Glu (NM_001290312.1, NM_001323987.1, NM_001323988.1 and 16 more transcripts); c.2248C>G, p.Gln750Glu (NM_001323986.2); c.892C>G, p.Gln298Glu (NM_001324006.1, NM_001324007.1, NM_001324008.1 and 2 more transcripts); c.1138C>G, p.Gln380Glu (NM_001324011.1); c.988C>G, p.Gln330Glu (NM_001324012.1, NM_001324013.1); and 1 more; short protein forms Q298E, Q330E, Q380E, Q411E, Q658E, Q678E, Q750E, Q781E.
Identifiers: ClinVar variation 1019193 (VCV001019193.6), dbSNP rs1207377565, ClinGen allele CA361134362.
Genomic context (GRCh38, chr5:138,932,620, plus strand): 5'-AGCCTGCTCTCTCTTCAGTGCCCCGACTCGGCTTGCAAGCAGGACCTGCTGGCCTACCTG[C>G]AACGCATCGCCCTCTACTGCCACCAGCTGAACATCTGCAGCAAGGTCAAGGCCGAGGTGC-3'
Protein context (NP_001894.2, residues 771-791): ACKQDLLAYL[Gln781Glu]RIALYCHQLN